The following is an entry in ClinVar:

ClinVar aggregate classification (germline): Uncertain significance. Review status: criteria provided, multiple submitters, no conflicts (2 of 4 stars). 4 submissions from 4 submitters: Uncertain significance (4). Last evaluated 2025-12-24.

Conditions:
Paget disease of bone 3. Identifiers: MedGen C4085252, MONDO:0008176, OMIM 167250.
Frontotemporal dementia and/or amyotrophic lateral sclerosis 1 (FTDALS1). Also called: C9orf72 Frontotemporal Dementia and/or Amyotrophic Lateral Sclerosis; Frontotemporal dementia with motor neuron disease 1. Identifiers: Orphanet 275872, MedGen C5779877, MONDO:0007105, OMIM 105550.
Paget disease of bone 2, early-onset (PDB2). Also called: Paget disease of bone 2. Identifiers: MedGen C4085251, MONDO:0011183, OMIM 602080.

Allele frequency attached by ClinVar (database versions not stated): ExAC 0.00004; gnomAD exomes 0.00004; gnomAD 0.00005; TOPMed 0.00011.
gnomAD v4.1: 33 of 1,614,054 alleles (0.002%); highest among the groups gnomAD compares: Admixed American, 0.025%; no homozygotes.

Submissions (4):

Labcorp Genetics (formerly Invitae), Labcorp
Classification: Uncertain significance for Paget disease of bone 2, early-onset; Frontotemporal dementia and/or amyotrophic lateral sclerosis 1. Last evaluated: 2025-12-24. Review status: criteria provided, single submitter. Criteria: Invitae Variant Classification Sherloc (09022015). Collection method: clinical testing. Allele origin: germline.
Comment: This sequence change replaces aspartic acid, which is acidic and polar, with glycine, which is neutral and non-polar, at codon 329 of the SQSTM1 protein (p.Asp329Gly). This variant is present in population databases (rs148294622, gnomAD 0.02%). This missense change has been observed in individual(s) with amyotrophic lateral sclerosis and/or frontotemporal lobar degeneration (PMID: 24899140, 31859009; internal data). ClinVar contains an entry for this variant (Variation ID: 650222). Invitae Evidence Modeling of protein sequence and biophysical properties (such as structural, functional, and spatial information, amino acid conservation, physicochemical variation, residue mobility, and thermodynamic stability) indicates that this missense variant is not expected to disrupt SQSTM1 protein function with a negative predictive value of 80%. Experimental studies have shown that this missense change affects SQSTM1 function (PMID: 31859009). In summary, the available evidence is currently insufficient to determine the role of this variant in disease. Therefore, it has been classified as a Variant of Uncertain Significance.

GeneDx
Classification: Uncertain significance. Last evaluated: 2025-04-30. Review status: criteria provided, single submitter. Criteria: GeneDx Variant Classification Process June 2021. Collection method: clinical testing. Allele origin: germline. Affected: yes.
Comment: Reported previously in a patient with frontotemporal lobar degeneration; segregation and detailed clinical information not available (PMID: 24899140); Published functional studies suggest that p.(D329G) impairs mTORC1 activation (PMID: 30514811); In silico analysis indicates that this missense variant does not alter protein structure/function; This variant is associated with the following publications: (PMID: 30514811, 27163810, 31859009, 24899140)

Revvity Omics, Revvity
Classification: Uncertain significance. Last evaluated: 2020-03-26. Review status: criteria provided, single submitter. Criteria: ACMG Guidelines, 2015. Collection method: clinical testing. Allele origin: germline.

Illumina Laboratory Services, Illumina
Classification: Uncertain significance for Paget disease of bone 3. Last evaluated: 2017-04-28. Review status: criteria provided, single submitter. Criteria: ICSL Variant Classification Criteria 13 December 2019. Collection method: clinical testing. Allele origin: germline.
Comment: This variant was observed as part of a predisposition screen in an ostensibly healthy population. A literature search was performed for the gene, cDNA change, and amino acid change (where applicable). Publications were found based on this search. However, the evidence from the literature, in combination with allele frequency data from public databases where available, was not sufficient to rule this variant in or out of causing disease. Therefore, this variant is classified as a variant of unknown significance.

Literature cited by the submitters: PubMed 24899140 (cited by Labcorp Genetics (formerly Invitae), Labcorp and Illumina Laboratory Services, Illumina); PubMed 31859009 (cited by Labcorp Genetics (formerly Invitae), Labcorp).

NM_003900.5(SQSTM1):c.986A>G (p.Asp329Gly)

Gene: SQSTM1 (sequestosome 1; plus strand). Cytogenetic location: 5q35.3.
Variant type: single nucleotide variant.
Coding change: c.986A>G on transcript NM_003900.5 (MANE Select); coding-DNA position 986, A replaced by G.
Protein change: p.Asp329Gly; replaces aspartic acid 329 with glycine.
Molecular consequence: missense variant.
Genome position (GRCh38, 1-based): chr5:179,833,603, A>G. VCF-style: chr5-179833603-A-G. GRCh37 (hg19) VCF-style: chr5-179260603-A-G.
Other names: c.734A>G, p.Asp245Gly (NM_001142298.2, NM_001142299.2); short protein forms D245G, D329G.
Identifiers: ClinVar variation 650222 (VCV000650222.13), dbSNP rs148294622, ClinGen allele CA3600776.